The following is an entry in ClinVar:

NM_001737.5(C9):c.257G>A (p.Arg86Gln)

Gene: C9 (complement C9; minus strand). Cytogenetic location: 5p13.1.
Variant type: single nucleotide variant.
Coding change: c.257G>A on transcript NM_001737.5 (MANE Select); coding-DNA position 257, G replaced by A.
Protein change: p.Arg86Gln; replaces arginine 86 with glutamine.
Molecular consequence: missense variant.
Genome position (GRCh38, 1-based): chr5:39,341,627, C>T on the plus strand (G>A on the coding strand, the complement: C9 is on the minus strand). VCF-style: chr5-39341627-C-T. GRCh37 (hg19) VCF-style: chr5-39341729-C-T.
Other names: short protein forms R86Q.
Identifiers: ClinVar variation 1925607 (VCV001925607.3), dbSNP rs764410729, ClinGen allele CA3247079.

ClinVar aggregate classification (germline): Uncertain significance (1 of 4 stars; one submission).

Allele frequency attached by ClinVar (database versions not stated): ExAC 0.00001; gnomAD 0.00001; gnomAD exomes 0.00001; TOPMed 0.00001.
gnomAD v4.1: 16 of 1,613,774 alleles (0.00099%); highest among the groups gnomAD compares: African/African-American, 0.0027%; no homozygotes.

Submission:

Labcorp Genetics (formerly Invitae), Labcorp
Classification: Uncertain significance. Last evaluated: 2022-01-03. Review status: criteria provided, single submitter. Criteria: Invitae Variant Classification Sherloc (09022015). Collection method: clinical testing. Allele origin: germline.
Comment: In summary, the available evidence is currently insufficient to determine the role of this variant in disease. Therefore, it has been classified as a Variant of Uncertain Significance. Algorithms developed to predict the effect of missense changes on protein structure and function output the following: SIFT: "Not Available"; PolyPhen-2: "Benign"; Align-GVGD: "Not Available". The glutamine amino acid residue is found in multiple mammalian species, which suggests that this missense change does not adversely affect protein function. This variant has not been reported in the literature in individuals affected with C9-related conditions. This variant is present in population databases (rs764410729, gnomAD 0.008%). This sequence change replaces arginine, which is basic and polar, with glutamine, which is neutral and polar, at codon 86 of the C9 protein (p.Arg86Gln).